The following is an entry in ClinVar:

NM_182915.3(STEAP3):c.776A>G (p.Lys259Arg)

Genes: STEAP3 (STEAP3 metalloreductase; plus strand), STEAP3-AS1 (STEAP3 antisense RNA 1; minus strand). Cytogenetic location: 2q14.2.
Variant type: single nucleotide variant.
Coding change: c.776A>G on transcript NM_182915.3 (MANE Select); coding-DNA position 776, A replaced by G.
Protein change: p.Lys259Arg; replaces lysine 259 with arginine.
Molecular consequence: missense variant.
Genome position (GRCh38, 1-based): chr2:119,247,932, A>G. VCF-style: chr2-119247932-A-G. GRCh37 (hg19) VCF-style: chr2-120005508-A-G.
Other names: c.746A>G, p.Lys249Arg (NM_001008410.2, NM_018234.3, NM_138637.3); short protein forms K249R, K259R.
Identifiers: ClinVar variation 2761630 (VCV002761630.3), dbSNP rs2467123779, ClinGen allele CA348341610.

ClinVar aggregate classification (germline): Uncertain significance (1 of 4 stars; one submission).

Submission:

Labcorp Genetics (formerly Invitae), Labcorp
Classification: Uncertain significance. Last evaluated: 2025-10-02. Review status: criteria provided, single submitter. Criteria: Invitae Variant Classification Sherloc (09022015). Collection method: clinical testing. Allele origin: germline.
Comment: This sequence change replaces lysine, which is basic and polar, with arginine, which is basic and polar, at codon 249 of the STEAP3 protein (p.Lys249Arg). This variant is not present in population databases (gnomAD no frequency). This variant has not been reported in the literature in individuals affected with STEAP3-related conditions. ClinVar contains an entry for this variant (Variation ID: 2761630). An algorithm developed to predict the effect of missense changes on protein structure and function outputs the following: PolyPhen-2: "Benign". The arginine amino acid residue is found in multiple mammalian species, which suggests that this missense change does not adversely affect protein function. In summary, the available evidence is currently insufficient to determine the role of this variant in disease. Therefore, it has been classified as a Variant of Uncertain Significance.